The following is an entry in ClinVar:

NM_013275.6(ANKRD11):c.7109A>G (p.Lys2370Arg)

Gene: ANKRD11 (ankyrin repeat domain 11; minus strand). Cytogenetic location: 16q24.3.
Variant type: single nucleotide variant.
Coding change: c.7109A>G on transcript NM_013275.6 (MANE Select); coding-DNA position 7109, A replaced by G.
Protein change: p.Lys2370Arg; replaces lysine 2370 with arginine.
Molecular consequence: missense variant.
Genome position (GRCh38, 1-based): chr16:89,279,433, T>C on the plus strand (A>G on the coding strand, the complement: ANKRD11 is on the minus strand). VCF-style: chr16-89279433-T-C. GRCh37 (hg19) VCF-style: chr16-89345841-T-C.
Other names: c.7109A>G, p.Lys2370Arg (NM_001256182.2, NM_001256183.2); short protein forms K2370R.
Identifiers: ClinVar variation 2805378 (VCV002805378.3), dbSNP rs2544219380, ClinGen allele CA397149309.

ClinVar aggregate classification (germline): Uncertain significance (1 of 4 stars; one submission).

Conditions:
KBG syndrome (KBGS). Also called: ANKRD11-Related KBG Syndrome. Identifiers: Orphanet 2332, MedGen C0220687, MONDO:0007846, OMIM 148050.

Submission:

Labcorp Genetics (formerly Invitae), Labcorp
Classification: Uncertain significance for KBG syndrome. Last evaluated: 2024-10-23. Review status: criteria provided, single submitter. Criteria: Invitae Variant Classification Sherloc (09022015). Collection method: clinical testing. Allele origin: germline.
Comment: This sequence change replaces lysine, which is basic and polar, with arginine, which is basic and polar, at codon 2370 of the ANKRD11 protein (p.Lys2370Arg). This variant is not present in population databases (gnomAD no frequency). This variant has not been reported in the literature in individuals affected with ANKRD11-related conditions. Invitae Evidence Modeling of protein sequence and biophysical properties (such as structural, functional, and spatial information, amino acid conservation, physicochemical variation, residue mobility, and thermodynamic stability) indicates that this missense variant is not expected to disrupt ANKRD11 protein function with a negative predictive value of 95%. In summary, the available evidence is currently insufficient to determine the role of this variant in disease. Therefore, it has been classified as a Variant of Uncertain Significance.